The following is an entry in ClinVar:

ClinVar aggregate classification (germline): Uncertain significance (1 of 4 stars; one submission).

gnomAD v4.1: 3 of 1,519,416 alleles (0.0002%); highest among the groups gnomAD compares: Non-Finnish European, 0.00018%; no homozygotes.

Submission:

Women's Health and Genetics/Laboratory Corporation of America, LabCorp
Classification: Uncertain significance. Last evaluated: 2025-03-18. Review status: criteria provided, single submitter. Criteria: LabCorp Variant Classification Summary - May 2015. Collection method: clinical testing. Allele origin: germline.
Comment: Variant summary: NOTCH3 c.3880C>T (p.Arg1294Trp) results in a non-conservative amino acid change in the encoded protein sequence. Five of five in-silico tools predict a damaging effect of the variant on protein function. The frequency data for this variant in gnomAD is considered unreliable, as metrics indicate poor data quality at this position. To our knowledge, no occurrence of c.3880C>T in individuals affected with Cerebral arteriopathy, autosomal dominant, with subcortical infarcts and leukoencephalopathy, type 1 and no experimental evidence demonstrating its impact on protein function have been reported. No submitters have cited clinical-significance assessments for this variant to ClinVar. Based on the evidence outlined above, the variant was classified as uncertain significance.

NM_000435.3(NOTCH3):c.3880C>T (p.Arg1294Trp)

Gene: NOTCH3 (notch receptor 3; minus strand). Cytogenetic location: 19p13.12.
Variant type: single nucleotide variant.
Coding change: c.3880C>T on transcript NM_000435.3 (MANE Select); coding-DNA position 3880, C replaced by T.
Protein change: p.Arg1294Trp; replaces arginine 1294 with tryptophan.
Molecular consequence: missense variant.
Genome position (GRCh38, 1-based): chr19:15,178,048, G>A on the plus strand (C>T on the coding strand, the complement: NOTCH3 is on the minus strand). VCF-style: chr19-15178048-G-A. GRCh37 (hg19) VCF-style: chr19-15288859-G-A.
Other names: short protein forms R1294W.
Identifiers: ClinVar variation 3896113 (VCV003896113.1).